The following is an entry in ClinVar:

NM_000486.6(AQP2):c.*1873G>A

Genes: AQP2 (aquaporin 2; plus strand), AQP5-AS1 (AQP5 and AQP2 antisense RNA 2; minus strand). Cytogenetic location: 12q13.12.
Variant type: single nucleotide variant.
Coding change: c.*1873G>A on transcript NM_000486.6 (MANE Select); 1873 bases downstream of the stop codon, G replaced by A.
Molecular consequence: 3 prime UTR variant.
Genome position (GRCh38, 1-based): chr12:49,957,481, G>A. VCF-style: chr12-49957481-G-A. GRCh37 (hg19) VCF-style: chr12-50351264-G-A.
Identifiers: ClinVar variation 881511 (VCV000881511.4), dbSNP rs147991678, ClinGen allele CA236737630.

ClinVar aggregate classification (germline): Likely benign (1 of 4 stars; one submission).

Conditions:
Diabetes insipidus, nephrogenic, autosomal (NDI2). Also called: Diabetes insipidus, nephrogenic, 2, autosomal; Nephrogenic Diabetes Insipidus, Type II. Identifiers: Orphanet 223, MedGen C1563706, MONDO:0007451, OMIM 125800.

Allele frequency attached by ClinVar (database versions not stated): 1000 Genomes Project 0.00060; TOPMed 0.00107; 1000 Genomes Project 30x 0.00141.

Submission:

Illumina Laboratory Services, Illumina
Classification: Likely benign for Diabetes insipidus, nephrogenic, autosomal. Last evaluated: 2018-01-13. Review status: criteria provided, single submitter. Criteria: ICSL Variant Classification Criteria 13 December 2019. Collection method: clinical testing. Allele origin: germline.
Comment: This variant was observed in the ICSL laboratory as part of a predisposition screen in an ostensibly healthy population. It had not been previously curated by ICSL or reported in the Human Gene Mutation Database (HGMD: prior to June 1st, 2018), and was therefore a candidate for classification through an automated scoring system. Utilizing variant allele frequency, disease prevalence and penetrance estimates, and inheritance mode, an automated score was calculated to assess if this variant is too frequent to cause the disease. Based on the score and internal cut-off values, a variant classified as likely benign is not then subjected to further curation. The score for this variant resulted in a classification of likely benign for this disease.